The following is an entry in ClinVar:

NM_001458.5(FLNC):c.1990G>A (p.Asp664Asn)

Gene: FLNC (filamin C; plus strand). Cytogenetic location: 7q32.1.
Variant type: single nucleotide variant.
Coding change: c.1990G>A on transcript NM_001458.5 (MANE Select); coding-DNA position 1990, G replaced by A.
Protein change: p.Asp664Asn; replaces aspartic acid 664 with asparagine.
Molecular consequence: missense variant.
Genome position (GRCh38, 1-based): chr7:128,841,346, G>A. VCF-style: chr7-128841346-G-A. GRCh37 (hg19) VCF-style: chr7-128481400-G-A.
Other names: c.1990G>A, p.Asp664Asn (NM_001127487.2); short protein forms D664N.
Identifiers: ClinVar variation 3757113 (VCV003757113.2).

ClinVar aggregate classification (germline): Uncertain significance (1 of 4 stars; one submission).

Conditions:
Distal myopathy with posterior leg and anterior hand involvement. Also called: WILLIAMS DISTAL MYOPATHY. Identifiers: Orphanet 63273, MedGen C3279722, MONDO:0013550, OMIM 614065.
Hypertrophic cardiomyopathy 26. Also called: Cardiomyopathy, familial hypertrophic, 26. Identifiers: Orphanet 75249, MedGen C4310749, MONDO:0014883, OMIM 617047.
Myofibrillar myopathy 5. Also called: Filaminopathy (type); FILAMINOPATHY, AUTOSOMAL DOMINANT. Identifiers: Orphanet 171445, MedGen C1836050, MONDO:0012289, OMIM 609524.

Submission:

Labcorp Genetics (formerly Invitae), Labcorp
Classification: Uncertain significance for Distal myopathy with posterior leg and anterior hand involvement; Myofibrillar myopathy 5; Hypertrophic cardiomyopathy 26. Last evaluated: 2024-07-02. Review status: criteria provided, single submitter. Criteria: Invitae Variant Classification Sherloc (09022015). Collection method: clinical testing. Allele origin: germline.
Comment: This sequence change replaces aspartic acid, which is acidic and polar, with asparagine, which is neutral and polar, at codon 664 of the FLNC protein (p.Asp664Asn). This variant is not present in population databases (gnomAD no frequency). This variant has not been reported in the literature in individuals affected with FLNC-related conditions. Algorithms developed to predict the effect of missense changes on protein structure and function output the following: SIFT: "Not Available"; PolyPhen-2: "Benign"; Align-GVGD: "Not Available". The asparagine amino acid residue is found in multiple mammalian species, which suggests that this missense change does not adversely affect protein function. In summary, the available evidence is currently insufficient to determine the role of this variant in disease. Therefore, it has been classified as a Variant of Uncertain Significance.